The following is an entry in ClinVar:

NM_001134382.3(IQSEC1):c.*1544del

Gene: IQSEC1 (IQ motif and Sec7 domain ArfGEF 1; minus strand). Cytogenetic location: 3p25.2.
Variant type: Deletion.
Coding change: c.*1544del on transcript NM_001134382.3 (MANE Select); 1544 bases downstream of the stop codon, one base deleted (T; older notation c.*1544delT).
Molecular consequence: 3 prime UTR variant. On other transcripts: intron variant (1).
Genome position (GRCh38, 1-based): chr3:12,899,439, A deleted on the plus strand (T on the coding strand, the reverse complement: IQSEC1 is on the minus strand); the first of 3 consecutive A bases (chr3:12,899,439-12,899,441); deleting any one gives the same sequence. VCF-style (leftmost placement, unchanged base first): chr3-12899438-CA-C. GRCh37 (hg19) VCF-style: chr3-12940937-CA-C.
Other names: c.*2070del (NM_001330619.3); c.*1544del (NM_001376938.2); c.2848-5del (NM_014869.8).
Identifiers: ClinVar variation 4996229 (VCV004996229.1).

ClinVar aggregate classification (germline): Likely benign (1 of 4 stars; one submission).

Conditions:
IQSEC1-related disorder. Also called: IQSEC1-related condition.

Submission:

PreventionGenetics, part of Exact Sciences
Classification: Likely benign for IQSEC1-related condition. Last evaluated: 2026-05-26. Review status: criteria provided, single submitter. Criteria: ACMG Guidelines, 2015. Collection method: clinical testing. Allele origin: germline.
Comment: This variant is classified as likely benign based on ACMG/AMP sequence variant interpretation guidelines (Richards et al. 2015 PMID: 25741868, with internal and published modifications).